The following is an entry in ClinVar:

NM_000428.3(LTBP2):c.2788+5G>A

Gene: LTBP2 (latent transforming growth factor beta binding protein 2; minus strand). Cytogenetic location: 14q24.3.
Variant type: single nucleotide variant.
Coding change: c.2788+5G>A on transcript NM_000428.3 (MANE Select); 5 bases into the intron after coding-DNA position 2788, G replaced by A.
Molecular consequence: intron variant.
Genome position (GRCh38, 1-based): chr14:74,521,906, C>T on the plus strand (G>A on the coding strand, the complement: LTBP2 is on the minus strand). VCF-style: chr14-74521906-C-T. GRCh37 (hg19) VCF-style: chr14-74988609-C-T.
Identifiers: ClinVar variation 1915428 (VCV001915428.2), dbSNP rs779004691, ClinGen allele CA7269389.

ClinVar aggregate classification (germline): Uncertain significance (1 of 4 stars; one submission).

Allele frequency attached by ClinVar (database versions not stated): TOPMed 0.00003; gnomAD 0.00006; gnomAD exomes 0.00009; ExAC 0.00049.
gnomAD v4.1: 148 of 1,613,958 alleles (0.0092%); highest among the groups gnomAD compares: Non-Finnish European, 0.0087%; 1 homozygote.

Submission:

Labcorp Genetics (formerly Invitae), Labcorp
Classification: Uncertain significance. Last evaluated: 2022-08-18. Review status: criteria provided, single submitter. Criteria: Invitae Variant Classification Sherloc (09022015). Collection method: clinical testing. Allele origin: germline.
Comment: This sequence change falls in intron 17 of the LTBP2 gene. It does not directly change the encoded amino acid sequence of the LTBP2 protein. It affects a nucleotide within the consensus splice site. This variant is present in population databases (rs779004691, gnomAD 0.05%), including at least one homozygous and/or hemizygous individual. This variant has not been reported in the literature in individuals affected with LTBP2-related conditions. Variants that disrupt the consensus splice site are a relatively common cause of aberrant splicing (PMID: 17576681, 9536098). Algorithms developed to predict the effect of sequence changes on RNA splicing suggest that this variant is not likely to affect RNA splicing. In summary, the available evidence is currently insufficient to determine the role of this variant in disease. Therefore, it has been classified as a Variant of Uncertain Significance.

Literature cited by the submitters: PubMed 17576681; PubMed 9536098.